The following is an entry in ClinVar:

ClinVar aggregate classification (germline): Uncertain significance (1 of 4 stars; one submission).

Conditions:
Inborn genetic diseases. Identifiers: MedGen C0950123, MeSH D030342.

gnomAD v4.1: 2 of 1,354,434 alleles (0.00015%); highest among the groups gnomAD compares: Non-Finnish European, 0.00019%; no homozygotes.

Submission:

Ambry Genetics
Classification: Uncertain significance for Inborn genetic diseases. Last evaluated: 2023-12-15. Review status: criteria provided, single submitter. Criteria: Ambry Variant Classification Scheme 2023. Collection method: clinical testing. Allele origin: germline.
Comment: The p.G199S variant (also known as c.595G>A), located in coding exon 1 of the SMAD6 gene, results from a G to A substitution at nucleotide position 595. The glycine at codon 199 is replaced by serine, an amino acid with similar properties. This amino acid position is conserved. In addition, the in silico prediction for this alteration is inconclusive. Since supporting evidence is limited at this time, the clinical significance of this alteration remains unclear.

NM_005585.5(SMAD6):c.595G>A (p.Gly199Ser)

Gene: SMAD6 (SMAD family member 6; plus strand). Cytogenetic location: 15q22.31.
Variant type: single nucleotide variant.
Coding change: c.595G>A on transcript NM_005585.5 (MANE Select); coding-DNA position 595, G replaced by A.
Protein change: p.Gly199Ser; replaces glycine 199 with serine.
Molecular consequence: missense variant. On other transcripts: non-coding transcript variant (1).
Genome position (GRCh38, 1-based): chr15:66,703,853, G>A. VCF-style: chr15-66703853-G-A. GRCh37 (hg19) VCF-style: chr15-66996191-G-A.
Other names: short protein forms G199S.
Identifiers: ClinVar variation 3224798 (VCV003224798.1), dbSNP rs1192188940, ClinGen allele CA392949861.